The following is an entry in ClinVar:

NM_206933.4(USH2A):c.1621G>A (p.Glu541Lys)

Gene: USH2A (usherin; minus strand). Cytogenetic location: 1q41.
Variant type: single nucleotide variant.
Coding change: c.1621G>A on transcript NM_206933.4 (MANE Select); coding-DNA position 1621, G replaced by A.
Protein change: p.Glu541Lys; replaces glutamic acid 541 with lysine.
Molecular consequence: missense variant.
Genome position (GRCh38, 1-based): chr1:216,321,906, C>T on the plus strand (G>A on the coding strand, the complement: USH2A is on the minus strand). VCF-style: chr1-216321906-C-T. GRCh37 (hg19) VCF-style: chr1-216495248-C-T.
Other names: c.1621G>A, p.Glu541Lys (NM_007123.6); short protein forms E541K.
Identifiers: ClinVar variation 4800041 (VCV004800041.1).

ClinVar aggregate classification (germline): Uncertain significance (1 of 4 stars; one submission).

Submission:

Labcorp Genetics (formerly Invitae), Labcorp
Classification: Uncertain significance. Last evaluated: 2025-10-16. Review status: criteria provided, single submitter. Criteria: Invitae Variant Classification Sherloc (09022015). Collection method: clinical testing. Allele origin: germline.
Comment: This sequence change replaces glutamic acid, which is acidic and polar, with lysine, which is basic and polar, at codon 541 of the USH2A protein (p.Glu541Lys). This variant is not present in population databases (gnomAD no frequency). This variant has not been reported in the literature in individuals affected with USH2A-related conditions. Invitae Evidence Modeling of protein sequence and biophysical properties (such as structural, functional, and spatial information, amino acid conservation, physicochemical variation, residue mobility, and thermodynamic stability) indicates that this missense variant is not expected to disrupt USH2A protein function with a negative predictive value of 95%. In summary, the available evidence is currently insufficient to determine the role of this variant in disease. Therefore, it has been classified as a Variant of Uncertain Significance.